The following is an entry in ClinVar:

NM_172364.5(CACNA2D4):c.2555_2557del (p.Ala852del)

Gene: CACNA2D4 (calcium voltage-gated channel auxiliary subunit alpha2delta 4; minus strand). Cytogenetic location: 12p13.33.
Variant type: Deletion.
Coding change: c.2555_2557del on transcript NM_172364.5 (MANE Select); coding-DNA positions 2555 to 2557, 3 bases deleted (CGG; older notation c.2555_2557delCGG).
Protein change: p.Ala852del; deletes alanine 852.
Molecular consequence: inframe deletion.
Genome position (GRCh38, 1-based): chr12:1,811,718-1,811,720, CCG deleted on the plus strand (CGG on the coding strand, the reverse complement: CACNA2D4 is on the minus strand); deleting any 3 consecutive bases within chr12:1,811,718-1,811,721 gives the same sequence; the c. name uses the placement nearest the transcript's 3' end. VCF-style (leftmost placement, unchanged base first): chr12-1811717-CCCG-C. GRCh37 (hg19) VCF-style: chr12-1920883-CCCG-C.
Other names: short protein forms A852del.
Identifiers: ClinVar variation 1495346 (VCV001495346.8), dbSNP rs936783535, ClinGen allele CA231530954.
Genomic context (GRCh38, chr12:1,811,717, plus strand): 5'-CCTACCTGCCGCGTTGCCGCCCAGAATTTGCGCTGGAGGAATTCCAGCTTCATTTGGACG[CCCG>C]CGGCTACAGGGCAGAAAGAGAGAGGGCAAGGCCAGGGAAGAGACGGGGAGAGAAAAAAAT-3'

ClinVar aggregate classification (germline): Uncertain significance (1 of 4 stars; one submission).

Submission:

Labcorp Genetics (formerly Invitae), Labcorp
Classification: Uncertain significance. Last evaluated: 2021-08-17. Review status: criteria provided, single submitter. Criteria: Invitae Variant Classification Sherloc (09022015). Collection method: clinical testing. Allele origin: germline.
Comment: This variant, c.2555_2557del, results in the deletion of 1 amino acid(s) of the CACNA2D4 protein (p.Ala852del), but otherwise preserves the integrity of the reading frame. In summary, the available evidence is currently insufficient to determine the role of this variant in disease. Therefore, it has been classified as a Variant of Uncertain Significance. Experimental studies and prediction algorithms are not available or were not evaluated, and the functional significance of this variant is currently unknown. This variant has not been reported in the literature in individuals with CACNA2D4-related conditions. This variant is not present in population databases (ExAC no frequency).